The following is an entry in ClinVar:

NM_002473.6(MYH9):c.4694T>C (p.Met1565Thr)

Gene: MYH9 (myosin heavy chain 9; minus strand). Cytogenetic location: 22q12.3.
Variant type: single nucleotide variant.
Coding change: c.4694T>C on transcript NM_002473.6 (MANE Select); coding-DNA position 4694, T replaced by C.
Protein change: p.Met1565Thr; replaces methionine 1565 with threonine.
Molecular consequence: missense variant.
Genome position (GRCh38, 1-based): chr22:36,288,803, A>G on the plus strand (T>C on the coding strand, the complement: MYH9 is on the minus strand). VCF-style: chr22-36288803-A-G. GRCh37 (hg19) VCF-style: chr22-36684849-A-G.
Other names: short protein forms M1565T.
Identifiers: ClinVar variation 2522892 (VCV002522892.5), dbSNP rs748639460, ClinGen allele CA10209313.
Genomic context (GRCh38, chr22:36,288,803, plus strand): 5'-TTCTTCTTCTCCTCGCTCTGCTCGTCCCGGCCCTGCAGGTCCCGCTCGAACTGGGCCTTC[A>G]TGGCCTGCAGGTTGACCTCCAACCGCAGCTTGGCATCTTCGGTGGCCTGCAGCTCGTCCT-3'
Protein context (NP_002464.1, residues 1555-1575): KLRLEVNLQA[Met1565Thr]KAQFERDLQG

ClinVar aggregate classification (germline): Uncertain significance. Review status: criteria provided, multiple submitters, no conflicts (2 of 4 stars). 3 submissions from 3 submitters: Uncertain significance (3). Last evaluated 2023-06-06.

Conditions:
Inborn genetic diseases. Identifiers: MedGen C0950123, MeSH D030342.
Macrothrombocytopenia and granulocyte inclusions with or without nephritis or sensorineural hearing loss (MATINS). Also called: BLEEDING DISORDER, PLATELET-TYPE, 6; MAY-HEGGLIN ANOMALY; DOHLE LEUKOCYTE INCLUSIONS WITH GIANT PLATELETS; MACROTHROMBOCYTOPENIA WITH LEUKOCYTE INCLUSIONS; MYH9-Related Disease (MYH9-RD); SEBASTIAN PLATELET SYNDROME. Identifiers: Orphanet 182050, MedGen C5200934, MONDO:0015912, OMIM 155100.
Autosomal dominant nonsyndromic hearing loss 17. Also called: Deafness, autosomal dominant 17; Autosomal dominant nonsyndromic deafness 17. Identifiers: Orphanet 90635, MedGen C1863659, MONDO:0011350, OMIM 603622.

Allele frequency attached by ClinVar (database versions not stated): gnomAD 0.00001; gnomAD exomes 0.00001; ExAC 0.00002.

Submissions (3):

Ambry Genetics
Classification: Uncertain significance for Inborn genetic diseases. Last evaluated: 2023-06-06. Review status: criteria provided, single submitter. Criteria: Ambry Variant Classification Scheme 2023. Collection method: clinical testing. Allele origin: germline.

Blueprint Genetics
Classification: Uncertain significance. Last evaluated: 2017-09-22. Review status: criteria provided, single submitter. Criteria: ACMG Guidelines, 2015. Collection method: clinical testing. Allele origin: germline.

Juno Genomics, Hangzhou Juno Genomics, Inc
Classification: Uncertain significance for Autosomal dominant nonsyndromic hearing loss 17; Macrothrombocytopenia and granulocyte inclusions with or without nephritis or sensorineural hearing loss. Review status: criteria provided, single submitter. Criteria: ACMG Guidelines, 2015. Collection method: clinical testing. Allele origin: germline.
Comment: Absent from controls (or at extremely low frequency if recessive) in Genome Aggregation Database.;Missense variant in a gene that has a low rate of benign missense variation.